The following is an entry in ClinVar:

ClinVar aggregate classification (germline): Uncertain significance (1 of 4 stars; one submission).

Conditions:
Cardiovascular phenotype. Identifiers: MedGen CN230736.

Submission:

Ambry Genetics
Classification: Uncertain significance for Cardiovascular phenotype. Last evaluated: 2022-02-10. Review status: criteria provided, single submitter. Criteria: Ambry Variant Classification Scheme 2023. Collection method: clinical testing. Allele origin: germline.
Comment: The p.T1091A variant (also known as c.3271A>G), located in coding exon 20 of the SOS2 gene, results from an A to G substitution at nucleotide position 3271. The threonine at codon 1091 is replaced by alanine, an amino acid with similar properties. This amino acid position is conserved. In addition, the in silico prediction for this alteration is inconclusive. Since supporting evidence is limited at this time, the clinical significance of this alteration remains unclear.

NM_006939.4(SOS2):c.3271A>G (p.Thr1091Ala)

Gene: SOS2 (SOS Ras/Rho guanine nucleotide exchange factor 2; minus strand). Cytogenetic location: 14q21.3.
Variant type: single nucleotide variant.
Coding change: c.3271A>G on transcript NM_006939.4 (MANE Select); coding-DNA position 3271, A replaced by G.
Protein change: p.Thr1091Ala; replaces threonine 1091 with alanine.
Molecular consequence: missense variant.
Genome position (GRCh38, 1-based): chr14:50,130,567, T>C on the plus strand (A>G on the coding strand, the complement: SOS2 is on the minus strand). VCF-style: chr14-50130567-T-C. GRCh37 (hg19) VCF-style: chr14-50597285-T-C.
Other names: c.3172A>G, p.Thr1058Ala (NM_001411020.1); short protein forms T1058A, T1091A.
Identifiers: ClinVar variation 1729628 (VCV001729628.2), dbSNP rs1210330980, ClinGen allele CA389640469.